The following is an entry in ClinVar:

ClinVar aggregate classification (germline): Uncertain significance (1 of 4 stars; one submission).

Submission:

Labcorp Genetics (formerly Invitae), Labcorp
Classification: Uncertain significance. Last evaluated: 2025-08-10. Review status: criteria provided, single submitter. Criteria: Invitae Variant Classification Sherloc (09022015). Collection method: clinical testing. Allele origin: germline.
Comment: This sequence change replaces glycine, which is neutral and non-polar, with serine, which is neutral and polar, at codon 318 of the LOX protein (p.Gly318Ser). This variant is not present in population databases (gnomAD no frequency). This variant has not been reported in the literature in individuals affected with LOX-related conditions. Invitae Evidence Modeling of protein sequence and biophysical properties (such as structural, functional, and spatial information, amino acid conservation, physicochemical variation, residue mobility, and thermodynamic stability) indicates that this missense variant is expected to disrupt LOX protein function with a positive predictive value of 95%. In summary, the available evidence is currently insufficient to determine the role of this variant in disease. Therefore, it has been classified as a Variant of Uncertain Significance.

NM_002317.7(LOX):c.952G>A (p.Gly318Ser)

Genes: SRFBP1 (serum response factor binding protein 1; plus strand), LOX (lysyl oxidase; minus strand). Cytogenetic location: 5q23.1.
Variant type: single nucleotide variant.
Coding change: c.952G>A on transcript NM_002317.7 (MANE Select); coding-DNA position 952, G replaced by A.
Protein change: p.Gly318Ser; replaces glycine 318 with serine.
Molecular consequence: missense variant.
Genome position (GRCh38, 1-based): chr5:122,074,096, C>T on the plus strand (G>A on the coding strand, the complement: LOX is on the minus strand). VCF-style: chr5-122074096-C-T. GRCh37 (hg19) VCF-style: chr5-121409791-C-T.
Other names: c.262G>A, p.Gly88Ser (NM_001178102.2); c.61G>A, p.Gly21Ser (NM_001317073.1); short protein forms G21S, G318S, G88S.
Identifiers: ClinVar variation 4710006 (VCV004710006.1).
Genomic context (GRCh38, chr5:122,074,096, plus strand): 5'-ATCGCCTGTGGTAGCCATAGTCACAGGATGTGTCTTCAAGACAGAAACTTGCTTTGTGGC[C>T]TTCAGCCACTCTCCTCTGGGTGTTGGCATCAAGCAGGTCATAGTGGCTAAACTCATCCAT-3'
Protein context (NP_002308.2, residues 308-328): DANTQRRVAE[Gly318Ser]HKASFCLEDT